The following is an entry in ClinVar:

NM_014681.6(DHX34):c.834G>A (p.Val278=)

Gene: DHX34 (DExH-box helicase 34; plus strand). Cytogenetic location: 19q13.32.
Variant type: single nucleotide variant.
Coding change: c.834G>A on transcript NM_014681.6 (MANE Select); coding-DNA position 834, G replaced by A.
Protein change: p.Val278=; no amino-acid change (valine 278 retained).
Molecular consequence: synonymous variant.
Genome position (GRCh38, 1-based): chr19:47,355,167, G>A. VCF-style: chr19-47355167-G-A. GRCh37 (hg19) VCF-style: chr19-47858424-G-A.
Identifiers: ClinVar variation 3059175 (VCV003059175.2), dbSNP rs2245046, ClinGen allele CA9537858.
Genomic context (GRCh38, chr19:47,355,167, plus strand): 5'-GCTGCTCCTGCGACAAATCCAGCGGGAACCCAGCCTGCCCCAGTATGAGGTCCTGATTGT[G>A]GATGAAGTCCATGAGCGGCATCTCCACAACGATTTCCTCCTGGGCGTCCTCCAGCGCCTG-3'
Protein context (NP_055496.2, residues 268-288): PSLPQYEVLI[Val278=]DEVHERHLHN

ClinVar aggregate classification (germline): Benign (0 of 4 stars; one submission).

Conditions:
DHX34-related disorder. Also called: DHX34-related condition.

Allele frequency attached by ClinVar (database versions not stated): gnomAD exomes 0.06009; ExAC 0.07639; ESP Exome Variant Server 0.09619; gnomAD 0.09760; TOPMed 0.10500; 1000 Genomes Project 0.10923; 1000 Genomes Project 30x 0.11259.
gnomAD v4.1: 103,056 of 1,614,018 alleles (6.4%); highest among the groups gnomAD compares: African/African-American, 19%; 4,214 homozygotes.

Submission:

PreventionGenetics, part of Exact Sciences
Classification: Benign for DHX34-related condition. Last evaluated: 2019-11-06. Review status: no assertion criteria provided. Collection method: clinical testing. Allele origin: germline.
Comment: This variant is classified as benign based on ACMG/AMP sequence variant interpretation guidelines (Richards et al. 2015 PMID: 25741868, with internal and published modifications).